The following is an entry in ClinVar:

NM_000512.5(GALNS):c.121-157C>T

Gene: GALNS (galactosamine (N-acetyl)-6-sulfatase; minus strand). Cytogenetic location: 16q24.3.
Variant type: single nucleotide variant.
Coding change: c.121-157C>T on transcript NM_000512.5 (MANE Select); 157 bases into the intron before coding-DNA position 121, C replaced by T.
Molecular consequence: intron variant.
Genome position (GRCh38, 1-based): chr16:88,842,986, G>A on the plus strand (C>T on the coding strand, the complement: GALNS is on the minus strand). VCF-style: chr16-88842986-G-A. GRCh37 (hg19) VCF-style: chr16-88909394-G-A.
Other names: c.-311-1015C>T (NM_001323543.2); c.138+44C>T (NM_001323544.2).
Identifiers: ClinVar variation 2432030 (VCV002432030.4), dbSNP rs1249952028, ClinGen allele CA725623874.

ClinVar aggregate classification (germline): Uncertain significance. Review status: criteria provided, multiple submitters, no conflicts (2 of 4 stars). 2 submissions from 2 submitters: Uncertain significance (2). Last evaluated 2025-06-24.

Conditions:
Mucopolysaccharidosis, MPS-IV-A (MPS4A). Also called: MPS IVA; Mucopolysaccharidosis type IV A; Mucopolysaccharidosis Type IVA; Morquio syndrome A, mild; MORQUIO SYNDROME A; GALACTOSAMINE-6-SULFATASE DEFICIENCY. Identifiers: Orphanet 309297, Orphanet 582, MedGen C0086651, MONDO:0009659, OMIM 253000.

Allele frequency attached by ClinVar (database versions not stated): gnomAD exomes below 0.00001; TOPMed below 0.00001.
gnomAD v4.1: 4 of 1,506,870 alleles (0.00027%); highest among the groups gnomAD compares: Admixed American, 0.002%; no homozygotes.

Submissions (2):

Revvity Omics, Revvity
Classification: Uncertain significance for Mucopolysaccharidosis, MPS-IV-A. Last evaluated: 2025-06-24. Review status: criteria provided, single submitter. Criteria: ACMG Guidelines, 2015. Collection method: clinical testing. Allele origin: germline.

3billion
Classification: Uncertain significance for Mucopolysaccharidosis, MPS-IV-A. Last evaluated: 2025-02-27. Review status: criteria provided, single submitter. Criteria: ACMG Guidelines, 2015. Collection method: clinical testing. Allele origin: germline. Affected: yes.
Comment: The variant is observed at an extremely low frequency in the gnomAD v4.1.0 dataset (total allele frequency: <0.001%). Predicted Consequence/Location: Intron variant In silico tools predict the variant to alter splicing and produce an abnormal transcript [SpliceAI: 0.75 (>=0.2, moderate evidence for spliceogenicity)]. The variant has been reported as of uncertain significance (ClinVar ID: VCV002432030). Therefore, this variant is classified as VUS according to the recommendation of ACMG/AMP guideline.